The following is an entry in ClinVar:

NM_001369.3(DNAH5):c.6304C>T (p.Arg2102Cys)

Gene: DNAH5 (dynein axonemal heavy chain 5; minus strand). Cytogenetic location: 5p15.2.
Variant type: single nucleotide variant.
Coding change: c.6304C>T on transcript NM_001369.3 (MANE Select); coding-DNA position 6304, C replaced by T.
Protein change: p.Arg2102Cys; replaces arginine 2102 with cysteine.
Molecular consequence: missense variant.
Genome position (GRCh38, 1-based): chr5:13,829,650, G>A on the plus strand (C>T on the coding strand, the complement: DNAH5 is on the minus strand). VCF-style: chr5-13829650-G-A. GRCh37 (hg19) VCF-style: chr5-13829759-G-A.
Other names: short protein forms R2102C.
Identifiers: ClinVar variation 407218 (VCV000407218.16), dbSNP rs767019228, ClinGen allele CA3203432.
Genomic context (GRCh38, chr5:13,829,650, plus strand): 5'-AACTAGCCAACTTCACCCTTATGATAATCTGACGGTCAGGCACCATCATGGCCACTGAGC[G>A]GAAATTAATCTTCAAGTTTTCAGGGAGTTCCTGCCGTCCGGCATAGCCAGGATTCTAAAC-3'
Protein context (NP_001360.1, residues 2092-2112): ELPENLKINF[Arg2102Cys]SVAMMVPDRQ

ClinVar aggregate classification (germline): Pathogenic/Likely pathogenic. Review status: criteria provided, multiple submitters, no conflicts (2 of 4 stars). 5 submissions from 5 submitters: Pathogenic (1); Likely pathogenic (4). Last evaluated 2025-10-07.

Conditions:
Primary ciliary dyskinesia 3. Identifiers: Orphanet 244, MedGen C1837618, MONDO:0012085, OMIM 608644.
Primary ciliary dyskinesia. Also called: Ciliary dyskinesia. Identifiers: Orphanet 244, MedGen C0008780, MONDO:0016575, HP:0012265.

Allele frequency attached by ClinVar (database versions not stated): ExAC 0.00001; gnomAD 0.00001; gnomAD exomes 0.00002 and 0.00004; TOPMed 0.00003.
gnomAD v4.1: 55 of 1,614,016 alleles (0.0034%); highest among the groups gnomAD compares: Admixed American, 0.0067%; no homozygotes.

Submissions (5):

Natera, Inc.
Classification: Likely pathogenic for Primary ciliary dyskinesia. Last evaluated: 2025-10-07. Review status: criteria provided, single submitter. Criteria: Natera Variant Classification Schema (03/2026). Collection method: clinical testing. Allele origin: germline.
Comment: The c.6304C>T variant in DNAH5 is a missense variant predicted to cause substitution of arginine to cysteine at amino acid 2102. This variant is rare in the general population with a frequency below the threshold expected for the associated phenotype(s). This variant has been observed in one or more individuals affected with the associated recessive disease, as either homozygous or compound heterozygous with a second variant (PMID: 33974255, 39009665, 32502479, 33479112). Computational prediction algorithms indicate this variant is likely to affect gene or protein function. Given the available evidence, this variant is classified as Likely Pathogenic.

Labcorp Genetics (formerly Invitae), Labcorp
Classification: Pathogenic for Primary ciliary dyskinesia. Last evaluated: 2025-07-13. Review status: criteria provided, single submitter. Criteria: Invitae Variant Classification Sherloc (09022015). Collection method: clinical testing. Allele origin: germline.
Comment: This sequence change replaces arginine, which is basic and polar, with cysteine, which is neutral and slightly polar, at codon 2102 of the DNAH5 protein (p.Arg2102Cys). This variant is present in population databases (rs767019228, gnomAD 0.01%). This missense change has been observed in individual(s) with primary ciliary dyskinesia (internal data). ClinVar contains an entry for this variant (Variation ID: 407218). Invitae Evidence Modeling of protein sequence and biophysical properties (such as structural, functional, and spatial information, amino acid conservation, physicochemical variation, residue mobility, and thermodynamic stability) has been performed for this missense variant. However, the output from this modeling did not meet the statistical confidence thresholds required to predict the impact of this variant on DNAH5 protein function. For these reasons, this variant has been classified as Pathogenic.

Myriad Genetics, Inc.
Classification: Likely pathogenic for Primary ciliary dyskinesia 3. Last evaluated: 2025-02-05. Review status: criteria provided, single submitter. Criteria: Myriad Autosomal Dominant, Autosomal Recessive and X-Linked Classification Criteria (2023). Collection method: clinical testing. Allele origin: unknown.
Comment: NM_001369.2(DNAH5):c.6304C>T(R2102C) is a missense variant classified as likely pathogenic in the context of primary ciliary dyskinesia, DNAH5-related. R2102C has been observed in cases with relevant disease (PMID: 32502479, 33479112, 33974255, 34556108, 39009665). Relevant functional assessments of this variant are not available in the literature. R2102C has been observed in referenced population frequency databases. In summary, NM_001369.2(DNAH5):c.6304C>T(R2102C) is a missense variant that has been observed more frequently in cases with the relevant disease than in healthy populations. Please note: this variant was assessed in the context of healthy population screening.

Fulgent Genetics
Classification: Likely pathogenic for Primary ciliary dyskinesia 3. Last evaluated: 2024-05-10. Review status: criteria provided, single submitter. Criteria: ACMG Guidelines, 2015. Collection method: clinical testing. Allele origin: germline.

Institute of Medical Genetics and Applied Genomics, University Hospital Tübingen
Classification: Likely pathogenic. Last evaluated: 2020-10-23. Review status: criteria provided, single submitter. Criteria: ACMG Guidelines, 2015. Collection method: clinical testing. Allele origin: germline. Inheritance: Autosomal recessive inheritance. Affected: yes.

Literature cited by the submitters: PubMed 33974255 (cited by Natera, Inc. and Myriad Genetics, Inc.); PubMed 39009665 (cited by Natera, Inc. and Myriad Genetics, Inc.); PubMed 32502479 (cited by Natera, Inc. and Myriad Genetics, Inc.); PubMed 33479112 (cited by Natera, Inc. and Myriad Genetics, Inc.); PubMed 34556108 (cited by Myriad Genetics, Inc.).